The following is an entry in ClinVar:

NM_001267550.2(TTN):c.51060dup (p.Asp17021fs)

Genes: TTN-AS1 (TTN antisense RNA 1; plus strand), TTN (titin; minus strand). Cytogenetic location: 2q31.2.
Variant type: Duplication.
Coding change: c.51060dup on transcript NM_001267550.2 (MANE Select); coding-DNA position 51060, one base duplicated (A; older notation c.51060dupA).
Protein change: p.Asp17021fs; shifts the reading frame from aspartic acid 17021.
Molecular consequence: frameshift variant.
Genome position (GRCh38, 1-based): chr2:178,611,069, T duplicated on the plus strand (A on the coding strand, the reverse complement: TTN is on the minus strand). VCF-style (leftmost placement, unchanged base first): chr2-178611068-C-CT. GRCh37 (hg19) VCF-style: chr2-179475795-C-CT.
Other names: c.46137dup, p.Asp15380fs (NM_001256850.1); c.23865dup, p.Asp7956fs (NM_003319.4); c.43356dup, p.Asp14453fs (NM_133378.4); c.24240dup, p.Asp8081fs (NM_133432.3); c.24441dup, p.Asp8148fs (NM_133437.4); short protein forms D15380fs, D7956fs, D8148fs, D14453fs, D17021fs, D8081fs.
Identifiers: ClinVar variation 1465155 (VCV001465155.7), dbSNP rs2154199483, ClinGen allele CA2573133801.
Genomic context (GRCh38, chr2:178,611,068, plus strand): 5'-TGATTGAGGCTGTTGCTGAGCCGAGCTTATTCTCCAGTGTAATGGTATAAATTCCGGCAT[C>CT]TGCACGGACACTCTTGGGAACTTCAAGGTGTGCAGAGATGTGATCATTCTTCATTGTTAA-3'

ClinVar aggregate classification (germline): Likely pathogenic. Review status: criteria provided, multiple submitters, no conflicts (2 of 4 stars). 2 submissions from 2 submitters: Likely pathogenic (2). Last evaluated 2025-04-17.

Conditions:
Cardiovascular phenotype. Identifiers: MedGen CN230736.
Dilated cardiomyopathy 1G (CMD1G). Identifiers: Orphanet 154, MedGen C1858763, MONDO:0011400, OMIM 604145.
Autosomal recessive limb-girdle muscular dystrophy type 2J (LGMDR10). Also called: Limb-girdle muscular dystrophy, type 2J; MUSCULAR DYSTROPHY, LIMB-GIRDLE, AUTOSOMAL RECESSIVE 10. Identifiers: Orphanet 140922, MedGen C1837342, MONDO:0012127, OMIM 608807.

Submissions (2):

Labcorp Genetics (formerly Invitae), Labcorp
Classification: Likely pathogenic for Dilated cardiomyopathy 1G; Autosomal recessive limb-girdle muscular dystrophy type 2J. Last evaluated: 2025-04-17. Review status: criteria provided, single submitter. Criteria: Invitae Variant Classification Sherloc (09022015). Collection method: clinical testing. Allele origin: germline.
Comment: This sequence change creates a premature translational stop signal (p.Asp17021Argfs*12) in the TTN gene. While this is not anticipated to result in nonsense mediated decay, it is expected to create a truncated TTN protein. This variant is not present in population databases (gnomAD no frequency). This variant has not been reported in the literature in individuals affected with TTN-related conditions. ClinVar contains an entry for this variant (Variation ID: 1465155). This variant is located in the A band of TTN (PMID: 25589632). Truncating variants in this region are significantly overrepresented in patients affected with dilated cardiomyopathy (PMID: 25589632). Truncating variants in this region have also been reported in individuals affected with autosomal recessive centronuclear myopathy (PMID: 23975875). In summary, the currently available evidence indicates that the variant is pathogenic, but additional data are needed to prove that conclusively. Therefore, this variant has been classified as Likely Pathogenic.

Molecular Diagnostic Laboratory for Inherited Cardiovascular Disease, Montreal Heart Institute
Classification: Likely pathogenic for Cardiovascular phenotype. Last evaluated: 2024-07-09. Review status: criteria provided, single submitter. Criteria: ACMG Guidelines, 2015. Collection method: clinical testing. Allele origin: germline. Affected: yes.
Comment: PVS1, PM2

Literature cited by the submitters: PubMed 25589632 (cited by Labcorp Genetics (formerly Invitae), Labcorp); PubMed 23975875 (cited by Labcorp Genetics (formerly Invitae), Labcorp).